The following is an entry in ClinVar:

NM_014974.3(DIP2C):c.2152C>T (p.Pro718Ser)

Gene: DIP2C (DIP2 acetate--CoA ligase C (putative); minus strand). Cytogenetic location: 10p15.3.
Variant type: single nucleotide variant.
Coding change: c.2152C>T on transcript NM_014974.3 (MANE Select); coding-DNA position 2152, C replaced by T.
Protein change: p.Pro718Ser; replaces proline 718 with serine.
Molecular consequence: missense variant.
Genome position (GRCh38, 1-based): chr10:366,391, G>A on the plus strand (C>T on the coding strand, the complement: DIP2C is on the minus strand). VCF-style: chr10-366391-G-A. GRCh37 (hg19) VCF-style: chr10-412331-G-A.
Other names: short protein forms P718S.
Identifiers: ClinVar variation 1900059 (VCV001900059.5), dbSNP rs2540674420, ClinGen allele CA375834271.

ClinVar aggregate classification (germline): Uncertain significance (1 of 4 stars; one submission).

Submission:

Labcorp Genetics (formerly Invitae), Labcorp
Classification: Uncertain significance. Last evaluated: 2022-12-28. Review status: criteria provided, single submitter. Criteria: Invitae Variant Classification Sherloc (09022015). Collection method: clinical testing. Allele origin: germline.
Comment: In summary, the available evidence is currently insufficient to determine the role of this variant in disease. Therefore, it has been classified as a Variant of Uncertain Significance. Algorithms developed to predict the effect of missense changes on protein structure and function (SIFT, PolyPhen-2, Align-GVGD) all suggest that this variant is likely to be tolerated. This variant has not been reported in the literature in individuals affected with DIP2C-related conditions. This variant is not present in population databases (gnomAD no frequency). This sequence change replaces proline, which is neutral and non-polar, with serine, which is neutral and polar, at codon 718 of the DIP2C protein (p.Pro718Ser).